The following is an entry in ClinVar:

ClinVar aggregate classification (germline): Uncertain significance. Review status: criteria provided, multiple submitters, no conflicts (2 of 4 stars). 2 submissions from 2 submitters: Uncertain significance (2). Last evaluated 2025-11-03.

Conditions:
Hereditary spastic paraplegia 11. Also called: Spastic Paraplegia 11; SPASTIC PARAPLEGIA, AUTOSOMAL RECESSIVE, COMPLICATED, WITH THIN CORPUS CALLOSUM; SPASTIC PARAPLEGIA, AUTOSOMAL RECESSIVE, WITH MENTAL IMPAIRMENT AND THIN CORPUS CALLOSUM; Nakamura Osame syndrome; Autosomal recessive hereditary spastic paraplegia, mental impairment, and thin corpus callosum; Spastic paraplegia, mental retardation and thin corpus callosum. Identifiers: Orphanet 2822, MedGen C1858479, MONDO:0011445, OMIM 604360.

Allele frequency attached by ClinVar (database versions not stated): gnomAD exomes below 0.00001 and 0.00001; ExAC 0.00001; gnomAD 0.00005; TOPMed 0.00005.
gnomAD v4.1: 13 of 1,613,862 alleles (0.00081%); highest among the groups gnomAD compares: African/African-American, 0.016%; no homozygotes.

Submissions (2):

Labcorp Genetics (formerly Invitae), Labcorp
Classification: Uncertain significance for Hereditary spastic paraplegia 11. Last evaluated: 2025-11-03. Review status: criteria provided, single submitter. Criteria: Invitae Variant Classification Sherloc (09022015). Collection method: clinical testing. Allele origin: germline.
Comment: This sequence change falls in intron 19 of the SPG11 gene. It does not directly change the encoded amino acid sequence of the SPG11 protein. It affects a nucleotide within the consensus splice site. This variant is present in population databases (rs750025536, gnomAD 0.01%). This variant has not been reported in the literature in individuals affected with SPG11-related conditions. ClinVar contains an entry for this variant (Variation ID: 1520962). Variants that disrupt the consensus splice site are a relatively common cause of aberrant splicing (PMID: 17576681, 9536098). Algorithms developed to predict the effect of sequence changes on RNA splicing suggest that this variant is not likely to affect RNA splicing. In summary, the available evidence is currently insufficient to determine the role of this variant in disease. Therefore, it has been classified as a Variant of Uncertain Significance.

Women's Health and Genetics/Laboratory Corporation of America, LabCorp
Classification: Uncertain significance. Last evaluated: 2025-04-29. Review status: criteria provided, single submitter. Criteria: LabCorp Variant Classification Summary - May 2015. Collection method: clinical testing. Allele origin: germline.

Literature cited by the submitters: PubMed 17576681 (cited by Labcorp Genetics (formerly Invitae), Labcorp); PubMed 9536098 (cited by Labcorp Genetics (formerly Invitae), Labcorp).

NM_025137.4(SPG11):c.3453+4C>T

Gene: SPG11 (SPG11 vesicle trafficking associated, spatacsin; minus strand). Cytogenetic location: 15q21.1.
Variant type: single nucleotide variant.
Coding change: c.3453+4C>T on transcript NM_025137.4 (MANE Select); 4 bases into the intron after coding-DNA position 3453, C replaced by T.
Molecular consequence: intron variant.
Genome position (GRCh38, 1-based): chr15:44,608,440, G>A on the plus strand (C>T on the coding strand, the complement: SPG11 is on the minus strand). VCF-style: chr15-44608440-G-A. GRCh37 (hg19) VCF-style: chr15-44900638-G-A.
Other names: c.3453+4C>T (NM_001160227.2).
Identifiers: ClinVar variation 1520962 (VCV001520962.6), dbSNP rs750025536, ClinGen allele CA7534981.